The following is an entry in ClinVar:

NM_000059.4(BRCA2):c.6022A>T (p.Lys2008Ter)

Gene: BRCA2 (BRCA2 DNA repair associated; plus strand). Cytogenetic location: 13q13.1.
Variant type: single nucleotide variant.
Coding change: c.6022A>T on transcript NM_000059.4 (MANE Select); coding-DNA position 6022, A replaced by T.
Protein change: p.Lys2008Ter; replaces lysine 2008 with a stop codon.
Molecular consequence: nonsense.
Genome position (GRCh38, 1-based): chr13:32,340,377, A>T. VCF-style: chr13-32340377-A-T. GRCh37 (hg19) VCF-style: chr13-32914514-A-T.
Other names: short protein forms K2008*.
Identifiers: ClinVar variation 216029 (VCV000216029.10), dbSNP rs863224467, ClinGen allele CA335857.

ClinVar aggregate classification (germline): Pathogenic. Review status: reviewed by expert panel (3 of 4 stars). 2 submissions from 2 submitters: Pathogenic (1). 1 of the submissions does not count toward it. Last evaluated 2016-09-08.

Conditions:
Hereditary breast ovarian cancer syndrome. Also called: Hereditary breast and/or ovarian cancer syndrome; BRCA1- and BRCA2-Associated Hereditary Breast and Ovarian Cancer; Hereditary breast and ovarian cancer; Hereditary breast and ovarian cancer syndrome (HBOC); Breast and ovarian cancer; Hereditary breast and ovarian cancer syndrome. Identifiers: Orphanet 145, MedGen C0677776, MeSH D061325, MONDO:0003582. Disease mechanism: loss of function.
Breast-ovarian cancer, familial, susceptibility to, 2 (BROVCA2). Also called: BRCA2 Hereditary Breast and Ovarian Cancer. Identifiers: Orphanet 145, MedGen C2675520, MONDO:0012933, OMIM 612555. Disease mechanism: loss of function.

Submissions (2):

Evidence-based Network for the Interpretation of Germline Mutant Alleles (ENIGMA)
Classification: Pathogenic for Breast-ovarian cancer, familial, susceptibility to, 2. Last evaluated: 2016-09-08. Review status: reviewed by expert panel. Criteria: ENIGMA BRCA1/2 Classification Criteria (2015). Collection method: curation. Allele origin: germline.
Comment: Variant allele predicted to encode a truncated non-functional protein.

Labcorp Genetics (formerly Invitae), Labcorp
Classification: Pathogenic for Hereditary breast ovarian cancer syndrome. Last evaluated: 2026-01-24. Review status: criteria provided, single submitter. Criteria: Invitae Variant Classification Sherloc (09022015). Collection method: clinical testing. Allele origin: germline. Not counted in ClinVar's aggregate classification.
Comment: This sequence change creates a premature translational stop signal (p.Lys2008*) in the BRCA2 gene. It is expected to result in an absent or disrupted protein product. Loss-of-function variants in BRCA2 are known to be pathogenic (PMID: 20104584). This variant is not present in population databases (gnomAD no frequency). This variant has not been reported in the literature in individuals affected with BRCA2-related conditions. ClinVar contains an entry for this variant (Variation ID: 216029). For these reasons, this variant has been classified as Pathogenic.

Literature cited by the submitters: PubMed 20104584 (cited by Labcorp Genetics (formerly Invitae), Labcorp).